The following is an entry in ClinVar:

NM_176787.5(PIGN):c.1246del (p.Glu416fs)

Gene: PIGN (phosphatidylinositol glycan anchor biosynthesis class N; minus strand). Cytogenetic location: 18q21.33.
Variant type: Deletion.
Coding change: c.1246del on transcript NM_176787.5 (MANE Select); coding-DNA position 1246, one base deleted (G; older notation c.1246delG).
Protein change: p.Glu416fs; shifts the reading frame from glutamic acid 416.
Molecular consequence: frameshift variant.
Genome position (GRCh38, 1-based): chr18:62,114,566, C deleted on the plus strand (G on the coding strand, the reverse complement: PIGN is on the minus strand). VCF-style (leftmost placement, unchanged base first): chr18-62114565-TC-T. GRCh37 (hg19) VCF-style: chr18-59781798-TC-T.
Other names: c.1246del, p.Glu416fs (NM_012327.6); short protein forms E416fs.
Identifiers: ClinVar variation 2709804 (VCV002709804.3), dbSNP rs2513154138, ClinGen allele CA2697555572.

ClinVar aggregate classification (germline): Pathogenic (1 of 4 stars; one submission).

Conditions:
Multiple congenital anomalies-hypotonia-seizures syndrome 1 (MCAHS1). Also called: GLYCOSYLPHOSPHATIDYLINOSITOL BIOSYNTHESIS DEFECT 3; PIGN-CDG; Congenital disorder of glycosylation due to PIGN deficiency. Identifiers: Orphanet 280633, MedGen C3279775, MONDO:0013563, OMIM 614080.

Submission:

Labcorp Genetics (formerly Invitae), Labcorp
Classification: Pathogenic for Multiple congenital anomalies-hypotonia-seizures syndrome 1. Last evaluated: 2024-01-17. Review status: criteria provided, single submitter. Criteria: Invitae Variant Classification Sherloc (09022015). Collection method: clinical testing. Allele origin: germline.
Comment: This sequence change creates a premature translational stop signal (p.Glu416Lysfs*9) in the PIGN gene. It is expected to result in an absent or disrupted protein product. Loss-of-function variants in PIGN are known to be pathogenic (PMID: 24253414, 27038415). This variant is not present in population databases (gnomAD no frequency). This variant has not been reported in the literature in individuals affected with PIGN-related conditions. Algorithms developed to predict the effect of sequence changes on RNA splicing suggest that this variant may disrupt the consensus splice site. For these reasons, this variant has been classified as Pathogenic.

Literature cited by the submitters: PubMed 24253414; PubMed 27038415.